The following is an entry in ClinVar:

ClinVar aggregate classification (germline): Benign/Likely benign. Review status: criteria provided, multiple submitters, no conflicts (2 of 4 stars). 10 submissions from 10 submitters: Benign (2); Likely benign (6). 2 of the submissions do not count toward it. Last evaluated 2026-01-18.

Conditions:
POLE-related disorder. Also called: POLE-related condition; POLE-related disorders.
Hereditary cancer-predisposing syndrome. Also called: Hereditary Cancer Syndrome; Tumor predisposition; Hereditary neoplastic syndrome; Neoplastic Syndromes, Hereditary. Identifiers: Orphanet 140162, MedGen C0027672, MeSH D009386, MONDO:0015356.
Colorectal cancer, susceptibility to, 12 (CRCS12). Also called: COLORECTAL CANCER, SUSCEPTIBILITY TO, ON CHROMOSOME 12q24. Identifiers: Orphanet 220460, MedGen C3554460, MONDO:0014038, OMIM 615083.

Allele frequency attached by ClinVar (database versions not stated): gnomAD 0.00007; ExAC 0.00009; TOPMed 0.00017.
gnomAD v4.1: 90 of 1,613,200 alleles (0.0056%); highest among the groups gnomAD compares: Admixed American, 0.068%; no homozygotes.

Submissions (10):

Labcorp Genetics (formerly Invitae), Labcorp
Classification: Likely benign. Last evaluated: 2026-01-18. Review status: criteria provided, single submitter. Criteria: Invitae Variant Classification Sherloc (09022015). Collection method: clinical testing. Allele origin: germline.

Center for Genomic Medicine, Rigshospitalet, Copenhagen University Hospital
Classification: Likely benign. Last evaluated: 2025-12-29. Review status: criteria provided, single submitter. Criteria: ACMG Guidelines, 2015. Collection method: clinical testing. Allele origin: germline.

Blueprint Genetics
Classification: Likely benign. Last evaluated: 2024-06-06. Review status: criteria provided, single submitter. Criteria: ACMG Guidelines, 2015. Collection method: clinical testing. Allele origin: germline.

Women's Health and Genetics/Laboratory Corporation of America, LabCorp
Classification: Benign. Last evaluated: 2023-08-31. Review status: criteria provided, single submitter. Criteria: LabCorp Variant Classification Summary - May 2015. Collection method: clinical testing. Allele origin: germline.
Comment: Variant summary: POLE c.6331-8C>T alters a conserved nucleotide located close to a canonical splice site and therefore could affect mRNA splicing, leading to a significantly altered protein sequence. Consensus agreement among computation tools predict no significant impact on normal splicing. However, these predictions have yet to be confirmed by functional studies. The variant allele was found at a frequency of 0.0001 in 248548 control chromosomes. The observed variant frequency is approximately 7.081 fold of the estimated maximal expected allele frequency for a pathogenic variant in POLE causing Colorectal Cancer phenotype (1.4e-05), strongly suggesting that the variant is benign. c.6331-8C>T has been reported in the literature in individuals affected with breast cancer (e.g. Guindalini_2022) and unspecified cancer (e.g. Bonache_2018). However, these reports do not provide unequivocal conclusions about association of the variant with Colorectal Cancer, and the authors classified the variants as uncertain significance. To our knowledge, no experimental evidence demonstrating an impact on protein function has been reported. The following publications have been ascertained in the context of this evaluation (PMID: 30306255, 35264596). Six submitters have cited clinical-significance assessments for this variant to ClinVar after 2014. All submitters classified the variant as benign/likely benign. Based on the evidence outlined above, the variant was classified as benign.

Sema4
Classification: Likely benign for Hereditary cancer-predisposing syndrome. Last evaluated: 2021-01-13. Review status: criteria provided, single submitter. Criteria: Sema4 Curation Guidelines. Collection method: curation. Allele origin: germline.

GeneDx
Classification: Likely benign. Last evaluated: 2020-09-09. Review status: criteria provided, single submitter. Criteria: GeneDx Variant Classification Process June 2021. Collection method: clinical testing. Allele origin: germline. Affected: yes.

Mendelics
Classification: Likely benign for Colorectal cancer, susceptibility to, 12. Last evaluated: 2019-05-28. Review status: criteria provided, single submitter. Criteria: Mendelics Assertion Criteria 2017. Collection method: clinical testing. Allele origin: unknown.

Quest Diagnostics Nichols Institute San Juan Capistrano
Classification: Benign. Last evaluated: 2018-03-29. Review status: criteria provided, single submitter. Criteria: Quest Diagnostics criteria. Collection method: clinical testing. Allele origin: unknown.

PreventionGenetics, part of Exact Sciences
Classification: Likely benign for POLE-related condition. Last evaluated: 2020-07-20. Review status: no assertion criteria provided. Collection method: clinical testing. Allele origin: germline. Not counted in ClinVar's aggregate classification.
Comment: This variant is classified as likely benign based on ACMG/AMP sequence variant interpretation guidelines (Richards et al. 2015 PMID: 25741868, with internal and published modifications).

Counsyl
Classification: Likely benign for Colorectal cancer, susceptibility to, 12. Last evaluated: 2018-05-02. Review status: no assertion criteria provided. Collection method: clinical testing. Allele origin: unknown. Not counted in ClinVar's aggregate classification.

Literature cited by the submitters: PubMed 30306255 (cited by Women's Health and Genetics/Laboratory Corporation of America, LabCorp); PubMed 35264596 (cited by Women's Health and Genetics/Laboratory Corporation of America, LabCorp).

NM_006231.4(POLE):c.6331-8C>T

Gene: POLE (DNA polymerase epsilon, catalytic subunit; minus strand). Cytogenetic location: 12q24.33.
Variant type: single nucleotide variant.
Coding change: c.6331-8C>T on transcript NM_006231.4 (MANE Select); 8 bases into the intron before coding-DNA position 6331, C replaced by T.
Molecular consequence: intron variant.
Genome position (GRCh38, 1-based): chr12:132,626,325, G>A on the plus strand (C>T on the coding strand, the complement: POLE is on the minus strand). VCF-style: chr12-132626325-G-A. GRCh37 (hg19) VCF-style: chr12-133202911-G-A.
Identifiers: ClinVar variation 240591 (VCV000240591.23), dbSNP rs769766403, ClinGen allele CA6892196.